The following is an entry in ClinVar:

ClinVar aggregate classification (germline): Uncertain significance (1 of 4 stars; one submission).

gnomAD v4.1: 8 of 1,613,810 alleles (0.0005%); highest among the groups gnomAD compares: Admixed American, 0.012%; no homozygotes.

Submission:

Labcorp Genetics (formerly Invitae), Labcorp
Classification: Uncertain significance. Last evaluated: 2026-01-26. Review status: criteria provided, single submitter. Criteria: Invitae Variant Classification Sherloc (09022015). Collection method: clinical testing. Allele origin: germline.
Comment: This sequence change replaces histidine, which is basic and polar, with glutamine, which is neutral and polar, at codon 123 of the ANGPT1 protein (p.His123Gln). This variant is present in population databases (no rsID available, gnomAD no frequency). This variant has not been reported in the literature in individuals affected with ANGPT1-related conditions. ClinVar contains an entry for this variant (Variation ID: 1483347). An algorithm developed to predict the effect of missense changes on protein structure and function (PolyPhen-2) suggests that this variant is likely to be disruptive. In summary, the available evidence is currently insufficient to determine the role of this variant in disease. Therefore, it has been classified as a Variant of Uncertain Significance.

NM_001146.5(ANGPT1):c.369C>A (p.His123Gln)

Gene: ANGPT1 (angiopoietin 1; minus strand). Cytogenetic location: 8q23.1.
Variant type: single nucleotide variant.
Coding change: c.369C>A on transcript NM_001146.5 (MANE Select); coding-DNA position 369, C replaced by A.
Protein change: p.His123Gln; replaces histidine 123 with glutamine.
Molecular consequence: missense variant.
Genome position (GRCh38, 1-based): chr8:107,347,026, G>T on the plus strand (C>A on the coding strand, the complement: ANGPT1 is on the minus strand). VCF-style: chr8-107347026-G-T. GRCh37 (hg19) VCF-style: chr8-108359254-G-T.
Other names: c.369C>A, p.His123Gln (NM_001199859.3); short protein forms H123Q.
Identifiers: ClinVar variation 1483347 (VCV001483347.8), dbSNP rs878882562, ClinGen allele CA183456577.
Genomic context (GRCh38, chr8:107,347,026, plus strand): 5'-TCTGGTCTGCTCTGCAGTCTGAGAGAGGAGGCTGGTTCCTATCTCCAGCATGGTAGCCGT[G>T]TGGTTCTGAACTGCATTCTGCTGTATCTGGGCCATCTCCGACTTCATGTTTTCCACAATG-3'
Protein context (NP_001137.2, residues 113-133): AQIQQNAVQN[His123Gln]TATMLEIGTS